The following is an entry in ClinVar:

NM_006348.5(COG5):c.1416G>A (p.Pro472=)

Gene: COG5 (component of oligomeric golgi complex 5; minus strand). Cytogenetic location: 7q22.3.
Variant type: single nucleotide variant.
Coding change: c.1416G>A on transcript NM_006348.5 (MANE Select); coding-DNA position 1416, G replaced by A.
Protein change: p.Pro472=; no amino-acid change (proline 472 retained).
Molecular consequence: synonymous variant. On other transcripts: intron variant (1).
Genome position (GRCh38, 1-based): chr7:107,283,630, C>T on the plus strand (G>A on the coding strand, the complement: COG5 is on the minus strand). VCF-style: chr7-107283630-C-T. GRCh37 (hg19) VCF-style: chr7-106924075-C-T.
Other names: c.1416G>A, p.Pro472= (NM_001161520.2, NM_001379512.1, NM_001379513.1 and 2 more transcripts); c.846G>A, p.Pro282= (NM_001379515.1); c.702G>A, p.Pro234= (NM_001379516.1); c.1314-2231G>A (NM_001379511.1).
Identifiers: ClinVar variation 502712 (VCV000502712.20), dbSNP rs149574256, ClinGen allele CA4430919.

ClinVar aggregate classification (germline): Conflicting classifications of pathogenicity. Review status: criteria provided, conflicting classifications (1 of 4 stars). 3 submissions from 3 submitters: Uncertain significance (2); Likely benign (1). Last evaluated 2025-12-08.

Conditions:
COG5-congenital disorder of glycosylation. Also called: COG5-CDG; CDG IIi; CONGENITAL DISORDER OF GLYCOSYLATION, TYPE IIi. Identifiers: Orphanet 263487, MedGen C3150876, MONDO:0013325, OMIM 613612.

Allele frequency attached by ClinVar (database versions not stated): gnomAD exomes 0.00009 and 0.00026; ExAC 0.00011; TOPMed 0.00012; ESP Exome Variant Server 0.00038.
gnomAD v4.1: 388 of 1,613,730 alleles (0.024%); highest among the groups gnomAD compares: Middle Eastern, 0.033%; no homozygotes.

Submissions (4):

Labcorp Genetics (formerly Invitae), Labcorp
Classification: Likely benign for COG5-congenital disorder of glycosylation. Last evaluated: 2025-12-08. Review status: criteria provided, single submitter. Criteria: Invitae Variant Classification Sherloc (09022015). Collection method: clinical testing. Allele origin: germline.

GeneDx
Classification: Uncertain significance. Last evaluated: 2021-06-20. Review status: criteria provided, single submitter. Criteria: GeneDx Variant Classification Process June 2021. Collection method: clinical testing. Allele origin: germline. Affected: yes.
Comment: In silico analysis supports a deleterious effect on splicing; Has not been previously published as pathogenic or benign to our knowledge; This variant is associated with the following publications: (PMID: 27535533)

Eurofins Ntd Llc (ga)
Classification: Uncertain significance. Last evaluated: 2017-06-28. Review status: criteria provided, single submitter. Criteria: EGL Classification Definitions 2015. Collection method: clinical testing. Allele origin: germline. Observed: 1 variant allele, 1 heterozygote.

Dr. Peter K. Rogan Lab, Western University
No classification provided (evidence only). Condition: Sarcoma. Review status: no classification provided. Collection method: in vitro. Allele origin: not applicable. Functional consequence: retained intron. Not counted in ClinVar's aggregate classification.